The following is an entry in ClinVar:

ClinVar aggregate classification (germline): Uncertain significance. Review status: criteria provided, multiple submitters, no conflicts (2 of 4 stars). 2 submissions from 2 submitters: Uncertain significance (2). Last evaluated 2025-04-17.

Conditions:
Cerebellar atrophy, visual impairment, and psychomotor retardation;. Also called: Cerebellar atrophy, visual impairment, and psychomotor retardation. Identifiers: MedGen C4225172, MONDO:0014811, OMIM 616875.

Allele frequency attached by ClinVar (database versions not stated): gnomAD exomes below 0.00001; ExAC 0.00001.
gnomAD v4.1: 8 of 1,614,102 alleles (0.0005%); highest among the groups gnomAD compares: Non-Finnish European, 0.00068%; no homozygotes.

Submissions (2):

Labcorp Genetics (formerly Invitae), Labcorp
Classification: Uncertain significance. Last evaluated: 2025-04-17. Review status: criteria provided, single submitter. Criteria: Invitae Variant Classification Sherloc (09022015). Collection method: clinical testing. Allele origin: germline.
Comment: This sequence change replaces phenylalanine, which is neutral and non-polar, with leucine, which is neutral and non-polar, at codon 369 of the EMC1 protein (p.Phe369Leu). This variant is present in population databases (rs747996783, gnomAD 0.0009%). This variant has not been reported in the literature in individuals affected with EMC1-related conditions. ClinVar contains an entry for this variant (Variation ID: 1031859). Invitae Evidence Modeling of protein sequence and biophysical properties (such as structural, functional, and spatial information, amino acid conservation, physicochemical variation, residue mobility, and thermodynamic stability) indicates that this missense variant is not expected to disrupt EMC1 protein function with a negative predictive value of 80%. In summary, the available evidence is currently insufficient to determine the role of this variant in disease. Therefore, it has been classified as a Variant of Uncertain Significance.

Baylor Genetics
Classification: Uncertain significance for Cerebellar atrophy, visual impairment, and psychomotor retardation;. Last evaluated: 2018-08-30. Review status: criteria provided, single submitter. Criteria: ACMG Guidelines, 2015. Collection method: clinical testing. Allele origin: unknown. Affected: yes.
Comment: This variant was determined to be of uncertain significance according to ACMG Guidelines, 2015 [PMID:25741868].

NM_015047.3(EMC1):c.1107C>G (p.Phe369Leu)

Genes: EMC1 (ER membrane protein complex subunit 1; minus strand), EMC1-AS1 (EMC1 antisense RNA 1; plus strand). Cytogenetic location: 1p36.13.
Variant type: single nucleotide variant.
Coding change: c.1107C>G on transcript NM_015047.3 (MANE Select); coding-DNA position 1107, C replaced by G.
Protein change: p.Phe369Leu; replaces phenylalanine 369 with leucine.
Molecular consequence: missense variant.
Genome position (GRCh38, 1-based): chr1:19,238,122, G>C on the plus strand (C>G on the coding strand, the complement: EMC1 is on the minus strand). VCF-style: chr1-19238122-G-C. GRCh37 (hg19) VCF-style: chr1-19564616-G-C.
Other names: c.1104C>G, p.Phe368Leu (NM_001271427.2, NM_001375821.1); c.1107C>G, p.Phe369Leu (NM_001271428.2, NM_001375820.1); c.1041C>G, p.Phe347Leu (NM_001271429.2); short protein forms F369L, F347L, F368L.
Identifiers: ClinVar variation 1031859 (VCV001031859.8), dbSNP rs747996783, ClinGen allele CA652664.